The following is an entry in ClinVar:

ClinVar aggregate classification (germline): Pathogenic (1 of 4 stars; one submission).

Conditions:
Hereditary cancer-predisposing syndrome. Also called: Neoplastic Syndromes, Hereditary; Tumor predisposition; Hereditary Cancer Syndrome; Hereditary neoplastic syndrome. Identifiers: Orphanet 140162, MedGen C0027672, MeSH D009386, MONDO:0015356.

Submission:

Ambry Genetics
Classification: Pathogenic for Hereditary cancer-predisposing syndrome. Last evaluated: 2018-05-17. Review status: criteria provided, single submitter. Criteria: Ambry Variant Classification Scheme 2023. Collection method: clinical testing. Allele origin: germline.
Comment: The c.3476delA pathogenic mutation, located in coding exon 6 of the MSH6 gene, results from a deletion of one nucleotide at nucleotide position 3476, causing a translational frameshift with a predicted alternate stop codon (p.Y1159Sfs*25). This alteration is expected to result in loss of function by premature protein truncation or nonsense-mediated mRNA decay. As such, this alteration is interpreted as a disease-causing mutation.

NM_000179.3(MSH6):c.3476del (p.Tyr1159fs)

Gene: MSH6 (mutS homolog 6; plus strand). Cytogenetic location: 2p16.3.
Variant type: Deletion.
Coding change: c.3476del on transcript NM_000179.3 (MANE Select); coding-DNA position 3476, one base deleted (A; older notation c.3476delA).
Protein change: p.Tyr1159fs; shifts the reading frame from tyrosine 1159.
Molecular consequence: frameshift variant.
Genome position (GRCh38, 1-based): chr2:47,804,947, A deleted. VCF-style (leftmost placement, unchanged base first): chr2-47804946-TA-T. GRCh37 (hg19) VCF-style: chr2-48032085-TA-T.
Other names: c.3086del, p.Tyr1029fs (NM_001281492.2); c.2570del, p.Tyr857fs (NM_001281493.2, NM_001281494.2); c.3572delA, p.Tyr1191Serfs (NM_001406795.1, NM_001406802.1); c.3476delA, p.Tyr1159Serfs (NM_001406796.1, NM_001406800.1, NM_001406808.1 and 1 more transcripts); c.3179delA, p.Tyr1060Serfs (NM_001406797.1, NM_001406801.1, NM_001406805.1 and 10 more transcripts); c.3302delA, p.Tyr1101Serfs (NM_001406798.1); c.2951delA, p.Tyr984Serfs (NM_001406799.1, NM_001406806.1, NM_001406807.1); c.2612delA, p.Tyr871Serfs (NM_001406803.1); and 8 more; short protein forms Y857fs, Y1029fs, Y1159fs.
Identifiers: ClinVar variation 1731788 (VCV001731788.2), dbSNP rs2104505728, ClinGen allele CA2580067155.
Genomic context (GRCh38, chr2:47,804,946, plus strand): 5'-GACCTTTTCCTCCCTCATTCACAGGCTGGCTTATTAGCTGTAATGGCCCAGATGGGTTGT[TA>T]CGTCCCTGCTGAAGTGTGCAGGCTCACACCAATTGATAGAGTGTTTACTAGACTTGGTGC-3'